The following is an entry in ClinVar:

NM_002485.5(NBN):c.*757A>G

Gene: NBN (nibrin; minus strand). Cytogenetic location: 8q21.3.
Variant type: single nucleotide variant.
Coding change: c.*757A>G on transcript NM_002485.5 (MANE Select); 757 bases downstream of the stop codon, A replaced by G.
Molecular consequence: 3 prime UTR variant.
Genome position (GRCh38, 1-based): chr8:89,934,825, T>C on the plus strand (A>G on the coding strand, the complement: NBN is on the minus strand). VCF-style: chr8-89934825-T-C. GRCh37 (hg19) VCF-style: chr8-90947053-T-C.
Other names: c.*757A>G (NM_001024688.3).
Identifiers: ClinVar variation 363904 (VCV000363904.5), dbSNP rs13312981, ClinGen allele CA10625888.
Genomic context (GRCh38, chr8:89,934,825, plus strand): 5'-TCTTACCATCTCCCTTTAAGGTAGAAAAAGAAAACAATCTCACCATTTCTACTTTATAAG[T>C]AGGAAAACTAGGACTCTAAATAAGCTCAAAACAGACACCCACCCAGCTCAGTAAGACCAC-3'

ClinVar aggregate classification (germline): Benign (1 of 4 stars; one submission).

Conditions:
Microcephaly, normal intelligence and immunodeficiency (NBS). Also called: Ataxia telangiectasia variant V1; Immunodeficiency, microcephaly with normal intelligence; IMMUNODEFICIENCY, MICROCEPHALY, AND CHROMOSOMAL INSTABILITY; SEEMANOVA SYNDROME II; Nijmegen breakage syndrome; Microcephaly with normal intelligence immunodeficiency and lymphoreticular malignancies. Identifiers: Orphanet 647, MedGen C0398791, MONDO:0009623, OMIM 251260.

Allele frequency attached by ClinVar (database versions not stated): gnomAD exomes 0.01742; gnomAD 0.06659 and 0.07109; 1000 Genomes Project 0.07548; TOPMed 0.07577; 1000 Genomes Project 30x 0.07995.
gnomAD v4.1: 11,545 of 232,942 alleles (5%); highest among the groups gnomAD compares: African/African-American, 22%; 1,092 homozygotes.

Submission:

Illumina Laboratory Services, Illumina
Classification: Benign for Microcephaly, normal intelligence and immunodeficiency. Last evaluated: 2018-01-13. Review status: criteria provided, single submitter. Criteria: ICSL Variant Classification Criteria 13 December 2019. Collection method: clinical testing. Allele origin: germline.
Comment: This variant was observed in the ICSL laboratory as part of a predisposition screen in an ostensibly healthy population. It had not been previously curated by ICSL or reported in the Human Gene Mutation Database (HGMD: prior to June 1st, 2018), and was therefore a candidate for classification through an automated scoring system. Utilizing variant allele frequency, disease prevalence and penetrance estimates, and inheritance mode, an automated score was calculated to assess if this variant is too frequent to cause the disease. Based on the score and internal cut-off values, a variant classified as benign is not then subjected to further curation. The score for this variant resulted in a classification of benign for this disease.